The following is an entry in ClinVar:

ClinVar aggregate classification (germline): Uncertain significance (1 of 4 stars; one submission).

Conditions:
Developmental and epileptic encephalopathy, 11 (DEE11). Also called: Early infantile epileptic encephalopathy 11. Identifiers: Orphanet 1934, MedGen C3150987, MONDO:0013388, OMIM 613721.
Seizures, benign familial infantile, 3 (BFIS3). Also called: CONVULSIONS, BENIGN FAMILIAL INFANTILE, 3; Familial neonatal seizures. Identifiers: Orphanet 140927, Orphanet 306, MedGen C1843140, MONDO:0011904, OMIM 607745.

Submission:

Labcorp Genetics (formerly Invitae), Labcorp
Classification: Uncertain significance for Seizures, benign familial infantile, 3; Developmental and epileptic encephalopathy, 11. Last evaluated: 2025-04-27. Review status: criteria provided, single submitter. Criteria: Invitae Variant Classification Sherloc (09022015). Collection method: clinical testing. Allele origin: germline.
Comment: This sequence change replaces aspartic acid, which is acidic and polar, with valine, which is neutral and non-polar, at codon 301 of the SCN2A protein (p.Asp301Val). This variant is not present in population databases (gnomAD no frequency). This variant has not been reported in the literature in individuals affected with SCN2A-related conditions. Invitae Evidence Modeling of protein sequence and biophysical properties (such as structural, functional, and spatial information, amino acid conservation, physicochemical variation, residue mobility, and thermodynamic stability) indicates that this missense variant is not expected to disrupt SCN2A protein function with a negative predictive value of 95%. In summary, the available evidence is currently insufficient to determine the role of this variant in disease. Therefore, it has been classified as a Variant of Uncertain Significance.

NM_001040142.2(SCN2A):c.902A>T (p.Asp301Val)

Gene: SCN2A (sodium voltage-gated channel alpha subunit 2; plus strand). Cytogenetic location: 2q24.3.
Variant type: single nucleotide variant.
Coding change: c.902A>T on transcript NM_001040142.2 (MANE Select); coding-DNA position 902, A replaced by T.
Protein change: p.Asp301Val; replaces aspartic acid 301 with valine.
Molecular consequence: missense variant.
Genome position (GRCh38, 1-based): chr2:165,310,527, A>T. VCF-style: chr2-165310527-A-T. GRCh37 (hg19) VCF-style: chr2-166167037-A-T.
Other names: c.902A>T, p.Asp301Val (NM_001040143.2, NM_001371246.1, NM_001371247.1 and 1 more transcripts); short protein forms D301V.
Identifiers: ClinVar variation 4789334 (VCV004789334.1).